The following is an entry in ClinVar:

ClinVar aggregate classification (germline): Uncertain significance. Review status: criteria provided, multiple submitters, no conflicts (2 of 4 stars). 7 submissions from 6 submitters: Uncertain significance (6). 1 of the submissions does not count toward it. Last evaluated 2025-06-07.

Conditions:
Perrault syndrome 1 (PRLTS1). Also called: GONADAL DYSGENESIS, XX TYPE, WITH DEAFNESS; OVARIAN DYSGENESIS WITH SENSORINEURAL DEAFNESS. Identifiers: Orphanet 2855, Orphanet 642945, MedGen C4551721, MONDO:0009300, OMIM 233400.
Bifunctional peroxisomal enzyme deficiency (DBIF). Also called: DBP DEFICIENCY; PBFE DEFICIENCY; D-bifunctional protein deficiency. Identifiers: Orphanet 300, MedGen C0342870, MONDO:0009855, OMIM 261515. Disease mechanism: loss of function.
Perrault syndrome. Also called: Gonadal dysgenesis with auditory dysfunction, autosomal recessive inheritance. Identifiers: Orphanet 2855, MedGen C0685838, MONDO:0017312.
Inborn genetic diseases. Identifiers: MedGen C0950123, MeSH D030342.

Allele frequency attached by ClinVar (database versions not stated): ExAC 0.00006; gnomAD 0.00008; ESP Exome Variant Server 0.00008; TOPMed 0.00009; gnomAD exomes 0.00006 and 0.00010.
gnomAD v4.1: 159 of 1,612,706 alleles (0.0099%); highest among the groups gnomAD compares: Non-Finnish European, 0.013%; no homozygotes.

Submissions (7):

Ambry Genetics
Classification: Uncertain significance for Inborn genetic diseases. Last evaluated: 2025-06-07. Review status: criteria provided, single submitter. Criteria: Ambry Variant Classification Scheme 2023. Collection method: clinical testing. Allele origin: germline.

GeneDx
Classification: Uncertain significance. Last evaluated: 2025-03-03. Review status: criteria provided, single submitter. Criteria: GeneDx Variant Classification Process June 2021. Collection method: clinical testing. Allele origin: germline. Affected: yes.
Comment: In silico analysis indicates that this missense variant does not alter protein structure/function; Has not been previously published as pathogenic or benign to our knowledge

Labcorp Genetics (formerly Invitae), Labcorp
Classification: Uncertain significance for Perrault syndrome; Bifunctional peroxisomal enzyme deficiency. Last evaluated: 2022-08-09. Review status: criteria provided, single submitter. Criteria: Invitae Variant Classification Sherloc (09022015). Collection method: clinical testing. Allele origin: germline.
Comment: This sequence change replaces leucine, which is neutral and non-polar, with phenylalanine, which is neutral and non-polar, at codon 332 of the HSD17B4 protein (p.Leu332Phe). This variant is present in population databases (rs370579120, gnomAD 0.01%). This variant has not been reported in the literature in individuals affected with HSD17B4-related conditions. ClinVar contains an entry for this variant (Variation ID: 595490). Advanced modeling of protein sequence and biophysical properties (such as structural, functional, and spatial information, amino acid conservation, physicochemical variation, residue mobility, and thermodynamic stability) performed at Invitae indicates that this missense variant is not expected to disrupt HSD17B4 protein function. In summary, the available evidence is currently insufficient to determine the role of this variant in disease. Therefore, it has been classified as a Variant of Uncertain Significance.

Illumina Laboratory Services, Illumina
Classification: Uncertain significance for Perrault syndrome 1. Last evaluated: 2018-01-13. Review status: criteria provided, single submitter. Criteria: ICSL Variant Classification Criteria 13 December 2019. Collection method: clinical testing. Allele origin: germline.

Illumina Laboratory Services, Illumina
Classification: Uncertain significance for Bifunctional peroxisomal enzyme deficiency. Last evaluated: 2018-01-13. Review status: criteria provided, single submitter. Criteria: ICSL Variant Classification Criteria 13 December 2019. Collection method: clinical testing. Allele origin: germline.

Eurofins Ntd Llc (ga)
Classification: Uncertain significance. Last evaluated: 2017-12-21. Review status: criteria provided, single submitter. Criteria: EGL Classification Definitions 2015. Collection method: clinical testing. Allele origin: germline. Observed: 1 variant allele, 1 heterozygote.

Natera, Inc.
Classification: Uncertain significance for Bifunctional peroxisomal enzyme deficiency. Last evaluated: 2019-10-28. Review status: no assertion criteria provided. Collection method: clinical testing. Allele origin: germline. Not counted in ClinVar's aggregate classification.

NM_000414.4(HSD17B4):c.994C>T (p.Leu332Phe)

Gene: HSD17B4 (hydroxysteroid 17-beta dehydrogenase 4; plus strand). Cytogenetic location: 5q23.1.
Variant type: single nucleotide variant.
Coding change: c.994C>T on transcript NM_000414.4 (MANE Select); coding-DNA position 994, C replaced by T.
Protein change: p.Leu332Phe; replaces leucine 332 with phenylalanine.
Molecular consequence: missense variant.
Genome position (GRCh38, 1-based): chr5:119,499,338, C>T. VCF-style: chr5-119499338-C-T. GRCh37 (hg19) VCF-style: chr5-118835033-C-T.
Other names: c.1069C>T, p.Leu357Phe (NM_001199291.3); c.940C>T, p.Leu314Phe (NM_001199292.2); c.922C>T, p.Leu308Phe (NM_001292027.2); c.574C>T, p.Leu192Phe (NM_001292028.2); short protein forms L332F, L192F, L357F, L308F, L314F.
Identifiers: ClinVar variation 595490 (VCV000595490.17), dbSNP rs370579120, ClinGen allele CA3382072.
Genomic context (GRCh38, chr5:119,499,338, plus strand): 5'-TTATCAATGAAATAAATTACTTTTTAAAACTGTTCTTAGGCTGGAGCTATTGGCCAGAAA[C>T]TCCCTCCATTTTCTTATGCTTATACGGAACTGGAAGCTATTATGTATGCCCTTGGAGTGG-3'
Protein context (NP_000405.1, residues 322-342): SGFAGAIGQK[Leu332Phe]PPFSYAYTEL